The following is an entry in ClinVar:

NM_025215.6(PUS1):c.291_295del (p.Tyr97_Gly99delinsTer)

Gene: PUS1 (pseudouridine synthase 1; plus strand). Cytogenetic location: 12q24.33.
Variant type: Deletion.
Coding change: c.291_295del on transcript NM_025215.6 (MANE Select); coding-DNA positions 291 to 295, 5 bases deleted (CCACG; older notation c.291_295delCCACG).
Protein change: p.Tyr97_Gly99delinsTer.
Molecular consequence: nonsense.
Genome position (GRCh38, 1-based): chr12:131,930,123-131,930,127, CCACG deleted. VCF-style (leftmost placement, unchanged base first): chr12-131930122-ACCACG-A. GRCh37 (hg19) VCF-style: chr12-132414667-ACCACG-A.
Other names: c.207_211del, p.Tyr69_Gly71delinsTer (NM_001002019.3, NM_001002020.3).
Identifiers: ClinVar variation 4816254 (VCV004816254.1).
Genomic context (GRCh38, chr12:131,930,122, plus strand): 5'-GGCGCGAGAAGCCGCCCAAGCGGAAGATCGTGCTGCTCATGGCCTATTCGGGCAAGGGCT[ACCACG>A]GCATGCAGGTGTGGCCGCCCGGGAAGCGGCAGGTCCCGCGGGGTTTAGGTGCAGGTGCGG-3'

ClinVar aggregate classification (germline): Likely pathogenic (1 of 4 stars; one submission).

Conditions:
Myopathy, lactic acidosis, and sideroblastic anemia. Also called: Mitochondrial myopathy and sideroblastic anemia; Myopathy with lactic acidosis and sideroblastic anemia. Identifiers: Orphanet 2598, MedGen C1838103, MONDO:0000863.

Submission:

Natera, Inc.
Classification: Likely pathogenic for Mitochondrial myopathy and sideroblastic anemia. Last evaluated: 2025-07-05. Review status: criteria provided, single submitter. Criteria: Natera Variant Classification Schema (03/2026). Collection method: clinical testing. Allele origin: germline.
Comment: The c.291_295del variant in PUS1 is a frameshift variant predicted to shift the reading frame and introduce a stop codon. This variant is expected to result in nonsense mediated decay, truncation, or a dysfunctional protein product. This variant is rare in the general population with a frequency below the threshold expected for the associated phenotype(s). Given the available evidence, this variant is classified as Likely Pathogenic.